The following is an entry in ClinVar:

NM_000051.4(ATM):c.8188C>A (p.Gln2730Lys)

Genes: ATM (ATM serine/threonine kinase; plus strand), C11orf65 (chromosome 11 open reading frame 65; minus strand). Cytogenetic location: 11q22.3.
Variant type: single nucleotide variant.
Coding change: c.8188C>A on transcript NM_000051.4 (MANE Select); coding-DNA position 8188, C replaced by A.
Protein change: p.Gln2730Lys; replaces glutamine 2730 with lysine.
Molecular consequence: missense variant. On other transcripts: intron variant (2).
Genome position (GRCh38, 1-based): chr11:108,335,881, C>A. VCF-style: chr11-108335881-C-A. GRCh37 (hg19) VCF-style: chr11-108206608-C-A.
Other names: c.8188C>A, p.Gln2730Lys (NM_001351834.2); c.641-26810G>T (NM_001330368.2); c.695-589G>T (NM_001351110.2); short protein forms Q2730K.
Identifiers: ClinVar variation 142221 (VCV000142221.6), dbSNP rs587782317, ClinGen allele CA167791.

ClinVar aggregate classification (germline): Uncertain significance (1 of 4 stars; one submission).

Conditions:
Hereditary cancer-predisposing syndrome. Also called: Neoplastic Syndromes, Hereditary; Hereditary Cancer Syndrome; Tumor predisposition; Hereditary neoplastic syndrome. Identifiers: Orphanet 140162, MedGen C0027672, MeSH D009386, MONDO:0015356.

Submission:

Ambry Genetics
Classification: Uncertain significance for Hereditary cancer-predisposing syndrome. Last evaluated: 2018-06-22. Review status: criteria provided, single submitter. Criteria: Ambry Variant Classification Scheme 2023. Collection method: clinical testing. Allele origin: germline.
Comment: The p.Q2730K variant (also known as c.8188C>A), located in coding exon 55 of the ATM gene, results from a C to A substitution at nucleotide position 8188. The glutamine at codon 2730 is replaced by lysine, an amino acid with similar properties. This patient also harbored a second ATM mutation; functional studies demonstrated that p.Q2730P results in loss of ATM kinase activity (Taylor AM and Byrd PJ. J Clin Pathol. 2005 Oct;58(10):1009-15; Barone G et al. Hum Mutat. 2009 Aug;30(8):1222-30). This amino acid position is highly conserved in available vertebrate species. In addition, p.Q2730K is predicted to be probably damaging and deleterious by PolyPhen and SIFT in silico analyses, respectively. Since supporting evidence is limited at this time, the clinical significance of this alteration remains unclear.

Literature cited by the submitters: PubMed 16189143; PubMed 19431188.